The following is an entry in ClinVar:

NM_000384.3(APOB):c.12382G>C (p.Val4128Leu)

Gene: APOB (apolipoprotein B; minus strand). Cytogenetic location: 2p24.1.
Variant type: single nucleotide variant.
Coding change: c.12382G>C on transcript NM_000384.3 (MANE Select); coding-DNA position 12382, G replaced by C.
Protein change: p.Val4128Leu; replaces valine 4128 with leucine.
Molecular consequence: missense variant.
Genome position (GRCh38, 1-based): chr2:21,003,040, C>G on the plus strand (G>C on the coding strand, the complement: APOB is on the minus strand). VCF-style: chr2-21003040-C-G. GRCh37 (hg19) VCF-style: chr2-21225912-C-G.
Other names: short protein forms V4128L.
Identifiers: ClinVar variation 1951194 (VCV001951194.5), dbSNP rs1801703, ClinGen allele CA43489063.

ClinVar aggregate classification (germline): Uncertain significance (1 of 4 stars; one submission).

Conditions:
Familial hypobetalipoproteinemia 1. Also called: Hypobetalipoproteinemia, normotriglyceridemic; Acanthocytosis with hypobetalipoproteinemia; APOB-Related Familial Hypobetalipoproteinemia. Identifiers: MedGen C4551990, MONDO:0014252, OMIM 615558.
Hypercholesterolemia, autosomal dominant, type B (FHCL2). Also called: APOB-Related Familial Hypercholesterolemia, Autosomal Dominant; Familial Hypercholesterolemia Type B; APOLIPOPROTEIN B-100, FAMILIAL DEFECTIVE; APOLIPOPROTEIN B-100, FAMILIAL LIGAND-DEFECTIVE; HYPERCHOLESTEROLEMIA, FAMILIAL, DUE TO LIGAND-DEFECTIVE APOLIPOPROTEIN B; Familial hypercholesterolemia 2. Identifiers: MedGen C1704417, MONDO:0007751, OMIM 144010.

gnomAD v4.1: 9 of 1,567,458 alleles (0.00057%); highest among the groups gnomAD compares: South Asian, 0.0097%; no homozygotes.

Submission:

Labcorp Genetics (formerly Invitae), Labcorp
Classification: Uncertain significance for Familial hypobetalipoproteinemia 1; Hypercholesterolemia, autosomal dominant, type B. Last evaluated: 2022-05-26. Review status: criteria provided, single submitter. Criteria: Invitae Variant Classification Sherloc (09022015). Collection method: clinical testing. Allele origin: germline.
Comment: In summary, the available evidence is currently insufficient to determine the role of this variant in disease. Therefore, it has been classified as a Variant of Uncertain Significance. Algorithms developed to predict the effect of missense changes on protein structure and function output the following: SIFT: "Tolerated"; PolyPhen-2: "Benign"; Align-GVGD: "Class C0". The leucine amino acid residue is found in multiple mammalian species, which suggests that this missense change does not adversely affect protein function. This variant has not been reported in the literature in individuals affected with APOB-related conditions. This variant is present in population databases (rs1801703, gnomAD 0.005%). This sequence change replaces valine, which is neutral and non-polar, with leucine, which is neutral and non-polar, at codon 4128 of the APOB protein (p.Val4128Leu).